The following is an entry in ClinVar:

NR_003051.3(RMRP):n.-2_-1insAGTGAAGCTGAGGACG

Gene: RMRP (RNA component of mitochondrial RNA processing endoribonuclease; minus strand). Cytogenetic location: 9p13.3.
Variant type: Insertion.
Genome position: GRCh38 VCF-style: chr9-35658019-A-ACGTCCTCAGCTTCACT. GRCh37 (hg19) VCF-style: chr9-35658016-A-ACGTCCTCAGCTTCACT.
Identifiers: ClinVar variation 2857328 (VCV002857328.3), dbSNP rs937585109, ClinGen allele CA2739269238.

ClinVar aggregate classification (germline): Pathogenic/Likely pathogenic. Review status: criteria provided, multiple submitters, no conflicts (2 of 4 stars). 2 submissions from 2 submitters: Pathogenic (1); Likely pathogenic (1). Last evaluated 2024-10-08.

Conditions:
Anauxetic dysplasia. Identifiers: Orphanet 93347, MedGen C1846796, MONDO:0011773.
Metaphyseal chondrodysplasia, McKusick type (CHH). Also called: Cartilage-hair hypoplasia; Cartilage-Hair Hypoplasia (CHH). Identifiers: Orphanet 175, MedGen C0220748, MONDO:0009595, OMIM 250250.

Submissions (2):

Natera, Inc.
Classification: Likely pathogenic for Cartilage-hair hypoplasia. Last evaluated: 2024-10-08. Review status: criteria provided, single submitter. Criteria: Natera Variant Classification Schema (03/2026). Collection method: clinical testing. Allele origin: germline.
Comment: The n.-2_-1insAGTGAAGCTGAGGACG variant in RMRP is an insertion affecting the RMRP promoter region between the TATA box and the transcription initiation site. Other duplications and insertions just upstream of the transcription initiation site have been reported in individuals affected with cartilage-hair hypoplasia (PMID: 11207361, 17937437). This variant is rare in the general population with a frequency below the threshold expected for the associated phenotype(s). Given the available evidence, this variant is classified as Likely pathogenic.

Labcorp Genetics (formerly Invitae), Labcorp
Classification: Pathogenic for Anauxetic dysplasia. Last evaluated: 2023-04-17. Review status: criteria provided, single submitter. Criteria: Invitae Variant Classification Sherloc (09022015). Collection method: clinical testing. Allele origin: germline.
Comment: For these reasons, this variant has been classified as Pathogenic. While functional studies for this variant have not been reported, experimental analyses using patient derived cells, as well as in vitro transfection studies, have shown that promoter insertions result in silencing of RMRP transcription and reduced expression of the gene product (PMID: 11207361, 16254002). While this particular variant has not been reported in the literature, it is located in the promoter region between the TATA box and the transcription initiation site, and other insertions and duplications immediately upstream of the coding sequence have been reported in individuals affected with cartilage-hair hypoplasia-anauxetic dysplasia (CHH-AD) spectrum disorders (PMID: 16244706, 11207361, 12107819). This variant is not present in population databases (gnomAD no frequency). This variant occurs in the RMRP gene, which encodes an RNA molecule that does not result in a protein product.

Literature cited by the submitters: PubMed 11207361 (cited by Natera, Inc. and Labcorp Genetics (formerly Invitae), Labcorp); PubMed 17937437 (cited by Natera, Inc.); PubMed 16254002 (cited by Labcorp Genetics (formerly Invitae), Labcorp); PubMed 16244706 (cited by Labcorp Genetics (formerly Invitae), Labcorp); PubMed 12107819 (cited by Labcorp Genetics (formerly Invitae), Labcorp).